The following is an entry in ClinVar:

ClinVar aggregate classification (germline): Uncertain significance (1 of 4 stars; one submission).

Conditions:
Idiopathic generalized epilepsy. Also called: Generalised epilepsy; EIG. Identifiers: MedGen C0270850, MONDO:0005579, OMIM 600669.
Hyperaldosteronism, familial, type IV (HALD4). Also called: FH IV; ALDOSTERONISM, PRIMARY, AND HYPERTENSION. Identifiers: Orphanet 642671, MedGen C4310756, MONDO:0014875, OMIM 617027.

Submission:

Labcorp Genetics (formerly Invitae), Labcorp
Classification: Uncertain significance for Idiopathic generalized epilepsy; Hyperaldosteronism, familial, type IV. Last evaluated: 2023-10-13. Review status: criteria provided, single submitter. Criteria: Invitae Variant Classification Sherloc (09022015). Collection method: clinical testing. Allele origin: germline.
Comment: This sequence change replaces serine, which is neutral and polar, with tyrosine, which is neutral and polar, at codon 2023 of the CACNA1H protein (p.Ser2023Tyr). This variant is not present in population databases (gnomAD no frequency). This variant has not been reported in the literature in individuals affected with CACNA1H-related conditions. Advanced modeling of protein sequence and biophysical properties (such as structural, functional, and spatial information, amino acid conservation, physicochemical variation, residue mobility, and thermodynamic stability) performed at Invitae indicates that this missense variant is not expected to disrupt CACNA1H protein function. In summary, the available evidence is currently insufficient to determine the role of this variant in disease. Therefore, it has been classified as a Variant of Uncertain Significance.

NM_021098.3(CACNA1H):c.6068C>A (p.Ser2023Tyr)

Gene: CACNA1H (calcium voltage-gated channel subunit alpha1 H; plus strand). Cytogenetic location: 16p13.3.
Variant type: single nucleotide variant.
Coding change: c.6068C>A on transcript NM_021098.3 (MANE Select); coding-DNA position 6068, C replaced by A.
Protein change: p.Ser2023Tyr; replaces serine 2023 with tyrosine.
Molecular consequence: missense variant.
Genome position (GRCh38, 1-based): chr16:1,220,000, C>A. VCF-style: chr16-1220000-C-A. GRCh37 (hg19) VCF-style: chr16-1270000-C-A.
Other names: c.6050C>A, p.Ser2017Tyr (NM_001005407.2); short protein forms S2017Y, S2023Y.
Identifiers: ClinVar variation 2928071 (VCV002928071.3), dbSNP rs985763287, ClinGen allele CA394149010.
Genomic context (GRCh38, chr16:1,220,000, plus strand): 5'-CCCAGGGCCCCGCCCCTCACTTTGACTCTACGCCCCCACAGGAGGCTGTGCACACCGATT[C>A]CTTGGAAGGGAAGATTGACAGCCCTAGGGACACCCTGGATCCTGCAGAGCCTGGTGAGAA-3'
Protein context (NP_066921.2, residues 2013-2033): LCRQEAVHTD[Ser2023Tyr]LEGKIDSPRD